The following is an entry in ClinVar:

NM_024915.4(GRHL2):c.1202G>A (p.Arg401His)

Gene: GRHL2 (grainyhead like transcription factor 2; plus strand). Cytogenetic location: 8q22.3.
Variant type: single nucleotide variant.
Coding change: c.1202G>A on transcript NM_024915.4 (MANE Select); coding-DNA position 1202, G replaced by A.
Protein change: p.Arg401His; replaces arginine 401 with histidine.
Molecular consequence: missense variant.
Genome position (GRCh38, 1-based): chr8:101,619,642, G>A. VCF-style: chr8-101619642-G-A. GRCh37 (hg19) VCF-style: chr8-102631870-G-A.
Other names: c.1154G>A, p.Arg385His (NM_001330593.2); c.1202G>A (NM_024915.3); short protein forms R401H, R385H.
Identifiers: ClinVar variation 1375452 (VCV001375452.14), dbSNP rs201327204, ClinGen allele CA4830504.
Genomic context (GRCh38, chr8:101,619,642, plus strand): 5'-AAAAAGGGGTGAAAGGACTTCCTTTGATGATTCAGATTGACACATACAGTTATAACAATC[G>A]TAGCAATAAACCCATTCATAGAGCTTATTGCCAGATCAAGGTCTTCTGTGACAAAGTGAG-3'
Protein context (NP_079191.2, residues 391-411): IQIDTYSYNN[Arg401His]SNKPIHRAYC

ClinVar aggregate classification (germline): Uncertain significance. Review status: criteria provided, multiple submitters, no conflicts (2 of 4 stars). 5 submissions from 5 submitters: Uncertain significance (5). Last evaluated 2026-09-16.

Conditions:
GRHL2-related disorder. Also called: GRHL2-related disorders; GRHL2-related condition.
Inborn genetic diseases. Identifiers: MedGen C0950123, MeSH D030342.

Allele frequency attached by ClinVar (database versions not stated): gnomAD exomes 0.00005; ExAC 0.00007; gnomAD 0.00007; TOPMed 0.00009; 1000 Genomes Project 0.00020; 1000 Genomes Project 30x 0.00031.
gnomAD v4.1: 143 of 1,613,062 alleles (0.0089%); highest among the groups gnomAD compares: Non-Finnish European, 0.011%; no homozygotes.

Submissions (5):

GeneDx
Classification: Uncertain significance. Last evaluated: 2026-09-16. Review status: criteria provided, single submitter. Criteria: GeneDx Variant Classification Process June 2021. Collection method: clinical testing. Allele origin: germline.
Comment: In silico analysis supports that this missense variant has a deleterious effect on protein structure/function; Has not been previously published as pathogenic or benign to our knowledge

PreventionGenetics, part of Exact Sciences
Classification: Uncertain significance for GRHL2-related condition. Last evaluated: 2026-09-11. Review status: criteria provided, single submitter. Criteria: ACMG Guidelines, 2015. Collection method: clinical testing. Allele origin: germline.
Comment: The GRHL2 c.1202G>A variant is predicted to result in the amino acid substitution p.Arg401His. To our knowledge, this variant has not been reported in the literature. This variant is reported in 0.0085% of alleles in individuals of Latino descent in gnomAD. At this time, the clinical significance of this variant is uncertain due to the absence of conclusive functional and genetic evidence.

Labcorp Genetics (formerly Invitae), Labcorp
Classification: Uncertain significance. Last evaluated: 2024-07-29. Review status: criteria provided, single submitter. Criteria: Invitae Variant Classification Sherloc (09022015). Collection method: clinical testing. Allele origin: germline.
Comment: This sequence change replaces arginine, which is basic and polar, with histidine, which is basic and polar, at codon 401 of the GRHL2 protein (p.Arg401His). This variant is present in population databases (rs201327204, gnomAD 0.009%). This variant has not been reported in the literature in individuals affected with GRHL2-related conditions. ClinVar contains an entry for this variant (Variation ID: 1375452). Advanced modeling of protein sequence and biophysical properties (such as structural, functional, and spatial information, amino acid conservation, physicochemical variation, residue mobility, and thermodynamic stability) performed at Invitae indicates that this missense variant is not expected to disrupt GRHL2 protein function with a negative predictive value of 80%. In summary, the available evidence is currently insufficient to determine the role of this variant in disease. Therefore, it has been classified as a Variant of Uncertain Significance.

Ambry Genetics
Classification: Uncertain significance for Inborn genetic diseases. Last evaluated: 2024-06-11. Review status: criteria provided, single submitter. Criteria: Ambry Variant Classification Scheme 2023. Collection method: clinical testing. Allele origin: germline.

Blueprint Genetics
Classification: Uncertain significance. Last evaluated: 2024-02-09. Review status: criteria provided, single submitter. Criteria: ACMG Guidelines, 2015. Collection method: clinical testing. Allele origin: germline.